The following is an entry in ClinVar:

ClinVar aggregate classification (germline): Uncertain significance. Review status: criteria provided, multiple submitters, no conflicts (2 of 4 stars). 2 submissions from 2 submitters: Uncertain significance (2). Last evaluated 2026-01-12.

Conditions:
Inborn genetic diseases. Identifiers: MedGen C0950123, MeSH D030342.

Allele frequency attached by ClinVar (database versions not stated): TOPMed below 0.00001; gnomAD exomes 0.00001; ExAC 0.00002.
gnomAD v4.1: 12 of 1,614,052 alleles (0.00074%); highest among the groups gnomAD compares: Non-Finnish European, 0.00059%; no homozygotes.

Submissions (2):

Labcorp Genetics (formerly Invitae), Labcorp
Classification: Uncertain significance. Last evaluated: 2026-01-12. Review status: criteria provided, single submitter. Criteria: Invitae Variant Classification Sherloc (09022015). Collection method: clinical testing. Allele origin: germline.
Comment: This sequence change replaces aspartic acid, which is acidic and polar, with asparagine, which is neutral and polar, at codon 3122 of the VCAN protein (p.Asp3122Asn). This variant is present in population databases (rs770608370, gnomAD 0.01%). This variant has not been reported in the literature in individuals affected with VCAN-related conditions. ClinVar contains an entry for this variant (Variation ID: 1945542). An algorithm developed to predict the effect of missense changes on protein structure and function (PolyPhen-2) suggests that this variant is likely to be disruptive. In summary, the available evidence is currently insufficient to determine the role of this variant in disease. Therefore, it has been classified as a Variant of Uncertain Significance.

Ambry Genetics
Classification: Uncertain significance for Inborn genetic diseases. Last evaluated: 2023-05-18. Review status: criteria provided, single submitter. Criteria: Ambry Variant Classification Scheme 2023. Collection method: clinical testing. Allele origin: germline.

NM_004385.5(VCAN):c.9364G>A (p.Asp3122Asn)

Genes: VCAN (versican; plus strand), VCAN-AS1 (VCAN antisense RNA 1; minus strand). Cytogenetic location: 5q14.3.
Variant type: single nucleotide variant.
Coding change: c.9364G>A on transcript NM_004385.5 (MANE Select); coding-DNA position 9364, G replaced by A.
Protein change: p.Asp3122Asn; replaces aspartic acid 3122 with asparagine.
Molecular consequence: missense variant.
Genome position (GRCh38, 1-based): chr5:83,545,635, G>A. VCF-style: chr5-83545635-G-A. GRCh37 (hg19) VCF-style: chr5-82841454-G-A.
Other names: c.9364G>A (NM_004385.4); c.1141G>A, p.Asp381Asn (NM_001126336.3); c.6403G>A, p.Asp2135Asn (NM_001164097.2); c.4102G>A, p.Asp1368Asn (NM_001164098.2); short protein forms D3122N, D2135N, D1368N, D381N.
Identifiers: ClinVar variation 1945542 (VCV001945542.7), dbSNP rs770608370, ClinGen allele CA3333979.